The following is an entry in ClinVar:

NM_000786.4(CYP51A1):c.1038A>T (p.Glu346Asp)

Gene: CYP51A1 (cytochrome P450 family 51 subfamily A member 1; minus strand). Cytogenetic location: 7q21.2.
Variant type: single nucleotide variant.
Coding change: c.1038A>T on transcript NM_000786.4 (MANE Select); coding-DNA position 1038, A replaced by T.
Protein change: p.Glu346Asp; replaces glutamic acid 346 with aspartic acid.
Molecular consequence: missense variant.
Genome position (GRCh38, 1-based): chr7:92,123,168, T>A on the plus strand (A>T on the coding strand, the complement: CYP51A1 is on the minus strand). VCF-style: chr7-92123168-T-A. GRCh37 (hg19) VCF-style: chr7-91752482-T-A.
Other names: c.723A>T, p.Glu241Asp (NM_001146152.2); short protein forms E346D, E241D.
Identifiers: ClinVar variation 3712175 (VCV003712175.2).

ClinVar aggregate classification (germline): Uncertain significance (1 of 4 stars; one submission).

Submission:

Labcorp Genetics (formerly Invitae), Labcorp
Classification: Uncertain significance. Last evaluated: 2024-12-12. Review status: criteria provided, single submitter. Criteria: Invitae Variant Classification Sherloc (09022015). Collection method: clinical testing. Allele origin: germline.
Comment: This sequence change replaces glutamic acid, which is acidic and polar, with aspartic acid, which is acidic and polar, at codon 346 of the CYP51A1 protein (p.Glu346Asp). This variant is present in population databases (no rsID available, gnomAD 0.002%). This variant has not been reported in the literature in individuals affected with CYP51A1-related conditions. An algorithm developed to predict the effect of missense changes on protein structure and function (PolyPhen-2) suggests that this variant is likely to be disruptive. In summary, the available evidence is currently insufficient to determine the role of this variant in disease. Therefore, it has been classified as a Variant of Uncertain Significance.